The following is an entry in ClinVar:

NM_145068.4(TRPV3):c.2086-5C>T

Gene: TRPV3 (transient receptor potential cation channel subfamily V member 3; minus strand). Cytogenetic location: 17p13.2.
Variant type: single nucleotide variant.
Coding change: c.2086-5C>T on transcript NM_145068.4 (MANE Select); 5 bases into the intron before coding-DNA position 2086, C replaced by T.
Molecular consequence: intron variant.
Genome position (GRCh38, 1-based): chr17:3,516,574, G>A on the plus strand (C>T on the coding strand, the complement: TRPV3 is on the minus strand). VCF-style: chr17-3516574-G-A. GRCh37 (hg19) VCF-style: chr17-3419868-G-A.
Other names: c.2086-5C>T (NM_001258205.2).
Identifiers: ClinVar variation 890514 (VCV000890514.10), dbSNP rs200251594, ClinGen allele CA8289220.

ClinVar aggregate classification (germline): Likely benign. Review status: criteria provided, multiple submitters, no conflicts (2 of 4 stars). 2 submissions from 2 submitters: Likely benign (2). Last evaluated 2025-08-15.

Conditions:
Isolated focal non-epidermolytic palmoplantar keratoderma. Also called: Palmoplantar keratoderma, nonepidermolytic, focal 2. Identifiers: Orphanet 448264, MedGen C4225339, MONDO:0014622, OMIM 616400.

Allele frequency attached by ClinVar (database versions not stated): TOPMed 0.00005; gnomAD 0.00006; ESP Exome Variant Server 0.00008; ExAC 0.00009; gnomAD exomes 0.00009 and 0.00010; 1000 Genomes Project 30x 0.00016; 1000 Genomes Project 0.00020.
gnomAD v4.1: 143 of 1,611,238 alleles (0.0089%); highest among the groups gnomAD compares: Non-Finnish European, 0.011%; no homozygotes.

Submissions (2):

Labcorp Genetics (formerly Invitae), Labcorp
Classification: Likely benign. Last evaluated: 2025-08-15. Review status: criteria provided, single submitter. Criteria: Invitae Variant Classification Sherloc (09022015). Collection method: clinical testing. Allele origin: germline.

Illumina Laboratory Services, Illumina
Classification: Likely benign for Isolated focal non-epidermolytic palmoplantar keratoderma. Last evaluated: 2018-01-13. Review status: criteria provided, single submitter. Criteria: ICSL Variant Classification Criteria 13 December 2019. Collection method: clinical testing. Allele origin: germline.
Comment: This variant was observed in the ICSL laboratory as part of a predisposition screen in an ostensibly healthy population. It had not been previously curated by ICSL or reported in the Human Gene Mutation Database (HGMD: prior to June 1st, 2018), and was therefore a candidate for classification through an automated scoring system. Utilizing variant allele frequency, disease prevalence and penetrance estimates, and inheritance mode, an automated score was calculated to assess if this variant is too frequent to cause the disease. Based on the score and internal cut-off values, a variant classified as likely benign is not then subjected to further curation. The score for this variant resulted in a classification of likely benign for this disease.